The following is an entry in ClinVar:

NM_000642.3(AGL):c.2591G>A (p.Arg864Gln)

Gene: AGL (amylo-alpha-1,6-glucosidase and 4-alpha-glucanotransferase; plus strand). Cytogenetic location: 1p21.2.
Variant type: single nucleotide variant.
Coding change: c.2591G>A on transcript NM_000642.3 (MANE Select); coding-DNA position 2591, G replaced by A.
Protein change: p.Arg864Gln; replaces arginine 864 with glutamine.
Molecular consequence: missense variant.
Genome position (GRCh38, 1-based): chr1:99,884,613, G>A. VCF-style: chr1-99884613-G-A. GRCh37 (hg19) VCF-style: chr1-100350169-G-A.
Other names: c.2591G>A, p.Arg864Gln (NM_000028.3, NM_000643.3, NM_000644.3 and 2 more transcripts); c.2543G>A, p.Arg848Gln (NM_000646.3); c.2390G>A, p.Arg797Gln (NM_001425327.1); c.2387G>A, p.Arg796Gln (NM_001425328.1); c.2213G>A, p.Arg738Gln (NM_001425332.1); short protein forms R864Q, R848Q, R738Q, R796Q, R797Q.
Identifiers: ClinVar variation 456475 (VCV000456475.8), dbSNP rs776599112, ClinGen allele CA966836.
Genomic context (GRCh38, chr1:99,884,613, plus strand): 5'-TAATTAACATTTTCAGAGTTAGTCTTGATCCACATGCACAAGTCGCTGTTGGAATTCTTC[G>A]AAATCATCTGACACAATTCAGTCCTCACTTTAAATCTGGCAGCCTAGCTGTTGACAATGC-3'
Protein context (NP_000633.2, residues 854-874): PHAQVAVGIL[Arg864Gln]NHLTQFSPHF

ClinVar aggregate classification (germline): Uncertain significance. Review status: criteria provided, multiple submitters, no conflicts (2 of 4 stars). 4 submissions from 4 submitters: Uncertain significance (3). 1 of the submissions does not count toward it. Last evaluated 2023-04-11.

Conditions:
Glycogen storage disease type III (GSD3). Also called: FORBES DISEASE; Cori disease. Identifiers: Orphanet 366, MedGen C0017922, MONDO:0009291, OMIM 232400.

Allele frequency attached by ClinVar (database versions not stated): gnomAD 0.00001; gnomAD exomes 0.00001 and 0.00002; TOPMed 0.00002; ExAC 0.00004.
gnomAD v4.1: 13 of 1,613,692 alleles (0.00081%); highest among the groups gnomAD compares: East Asian, 0.0067%; no homozygotes.

Submissions (4):

Genome-Nilou Lab
Classification: Uncertain significance for Glycogen storage disease type III. Last evaluated: 2023-04-11. Review status: criteria provided, single submitter. Criteria: ACMG Guidelines, 2015. Collection method: clinical testing. Allele origin: germline. Affected: no.

Labcorp Genetics (formerly Invitae), Labcorp
Classification: Uncertain significance for Glycogen storage disease type III. Last evaluated: 2022-03-19. Review status: criteria provided, single submitter. Criteria: Invitae Variant Classification Sherloc (09022015). Collection method: clinical testing. Allele origin: germline.
Comment: This sequence change replaces arginine, which is basic and polar, with glutamine, which is neutral and polar, at codon 864 of the AGL protein (p.Arg864Gln). This variant is present in population databases (rs776599112, gnomAD 0.02%). This missense change has been observed in individual(s) with glycogen storage disease III (PMID: 24257475). ClinVar contains an entry for this variant (Variation ID: 456475). Algorithms developed to predict the effect of missense changes on protein structure and function (SIFT, PolyPhen-2, Align-GVGD) all suggest that this variant is likely to be tolerated. In summary, the available evidence is currently insufficient to determine the role of this variant in disease. Therefore, it has been classified as a Variant of Uncertain Significance.

Fulgent Genetics
Classification: Uncertain significance for Glycogen storage disease type III. Last evaluated: 2021-07-30. Review status: criteria provided, single submitter. Criteria: ACMG Guidelines, 2015. Collection method: clinical testing. Allele origin: unknown.

Natera, Inc.
Classification: Uncertain significance for Glycogen storage disease type III. Last evaluated: 2019-10-28. Review status: no assertion criteria provided. Collection method: clinical testing. Allele origin: germline. Not counted in ClinVar's aggregate classification.

Literature cited by the submitters: PubMed 24257475 (cited by Labcorp Genetics (formerly Invitae), Labcorp).